The following is an entry in ClinVar:

NM_015338.6(ASXL1):c.296G>T (p.Gly99Val)

Gene: ASXL1 (ASXL transcriptional regulator 1; plus strand). Cytogenetic location: 20q11.21.
Variant type: single nucleotide variant.
Coding change: c.296G>T on transcript NM_015338.6 (MANE Select); coding-DNA position 296, G replaced by T.
Protein change: p.Gly99Val; replaces glycine 99 with valine.
Molecular consequence: missense variant.
Genome position (GRCh38, 1-based): chr20:32,428,171, G>T. VCF-style: chr20-32428171-G-T. GRCh37 (hg19) VCF-style: chr20-31015974-G-T.
Other names: c.266G>T, p.Gly89Val (NM_001363734.1); short protein forms G89V, G99V.
Identifiers: ClinVar variation 1320773 (VCV001320773.2), dbSNP rs2123208988, ClinGen allele CA408551430.

ClinVar aggregate classification (germline): Uncertain significance (1 of 4 stars; one submission).

Submission:

GeneDx
Classification: Uncertain significance. Last evaluated: 2019-06-01. Review status: criteria provided, single submitter. Criteria: GeneDx Variant Classification Process June 2021. Collection method: clinical testing. Allele origin: germline. Affected: yes.
Comment: In silico analysis, which includes protein predictors and evolutionary conservation, supports a deleterious effect; Not observed in large population cohorts (Lek et al., 2016); Has not been previously published as pathogenic or benign to our knowledge